The following is an entry in ClinVar:

ClinVar aggregate classification (germline): Uncertain significance (1 of 4 stars; one submission).

Conditions:
Early-infantile DEE. Also called: Ohtahara syndrome; Early infantile epileptic encephalopathy with suppression bursts; Early infantile epileptic encephalopathy. Identifiers: Orphanet 1934, MedGen C0393706, MONDO:0800491.

Allele frequency attached by ClinVar (database versions not stated): gnomAD exomes below 0.00001; ExAC 0.00002.
gnomAD v4.1: 1 of 1,614,234 alleles (0.000062%); highest among the groups gnomAD compares: Non-Finnish European, 0.000085%; no homozygotes.

Submission:

Labcorp Genetics (formerly Invitae), Labcorp
Classification: Uncertain significance for Early-infantile DEE. Last evaluated: 2022-03-23. Review status: criteria provided, single submitter. Criteria: Invitae Variant Classification Sherloc (09022015). Collection method: clinical testing. Allele origin: germline.
Comment: ClinVar contains an entry for this variant (Variation ID: 845935). This sequence change affects codon 55 of the ST3GAL3 mRNA. It is a 'silent' change, meaning that it does not change the encoded amino acid sequence of the ST3GAL3 protein. The frequency data for this variant in the population databases is considered unreliable, as metrics indicate poor data quality at this position in the gnomAD database. This variant has not been reported in the literature in individuals affected with ST3GAL3-related conditions. Algorithms developed to predict the effect of sequence changes on RNA splicing suggest that this variant may disrupt the consensus splice site. In summary, the available evidence is currently insufficient to determine the role of this variant in disease. Therefore, it has been classified as a Variant of Uncertain Significance.

NM_006279.5(ST3GAL3):c.165A>G (p.Ser55=)

Gene: ST3GAL3 (ST3 beta-galactoside alpha-2,3-sialyltransferase 3; plus strand). Cytogenetic location: 1p34.1.
Variant type: single nucleotide variant.
Coding change: c.165A>G on transcript NM_006279.5 (MANE Select); coding-DNA position 165, A replaced by G.
Protein change: p.Ser55=; no amino-acid change (serine 55 retained).
Molecular consequence: synonymous variant. On other transcripts: 5 prime UTR variant (1), non-coding transcript variant (5), intron variant (9).
Genome position (GRCh38, 1-based): chr1:43,792,148, A>G. VCF-style: chr1-43792148-A-G. GRCh37 (hg19) VCF-style: chr1-44257819-A-G.
Other names: c.165A>G, p.Ser55= (NM_001270459.2, NM_001270460.2, NM_001350620.2 and 4 more transcripts); c.210A>G, p.Ser70= (NM_001350619.2, NM_174963.5, NM_174964.4 and 1 more transcripts); c.-289A>G (NM_001350621.2); c.164-22743A>G (NM_001270465.3, NM_001270463.3); c.119-22743A>G (NM_174971.5, NM_174969.4, NM_001270461.3 and 4 more transcripts).
Identifiers: ClinVar variation 845935 (VCV000845935.10), dbSNP rs778787798, ClinGen allele CA814512.